The following is an entry in ClinVar:

NM_000404.4(GLB1):c.441C>T (p.Leu147=)

Gene: GLB1 (galactosidase beta 1; minus strand). Cytogenetic location: 3p22.3.
Variant type: single nucleotide variant.
Coding change: c.441C>T on transcript NM_000404.4 (MANE Select); coding-DNA position 441, C replaced by T.
Protein change: p.Leu147=; no amino-acid change (leucine 147 retained).
Molecular consequence: synonymous variant. On other transcripts: intron variant (1).
Genome position (GRCh38, 1-based): chr3:33,068,246, G>A on the plus strand (C>T on the coding strand, the complement: GLB1 is on the minus strand). VCF-style: chr3-33068246-G-A. GRCh37 (hg19) VCF-style: chr3-33109738-G-A.
Other names: c.351C>T, p.Leu117= (NM_001079811.3); c.585C>T, p.Leu195= (NM_001317040.2); c.441C>T, p.Leu147= (NM_001393580.1); c.246-2689C>T (NM_001135602.3).
Identifiers: ClinVar variation 4084442 (VCV004084442.8).

ClinVar aggregate classification (germline): Likely benign (1 of 4 stars; one submission).

gnomAD v4.1: 1 of 1,614,008 alleles (0.000062%); highest among the groups gnomAD compares: Non-Finnish European, 0.000085%; no homozygotes.

Submission:

CeGaT Center for Human Genetics Tuebingen
Classification: Likely benign. Last evaluated: 2025-07-01. Review status: criteria provided, single submitter. Criteria: CeGaT Center For Human Genetics Tuebingen Variant Classification Criteria Version 2. Collection method: clinical testing. Allele origin: germline. Affected: yes. Observed: 1 variant allele.
Comment: GLB1: BP4, BP7